The following is an entry in ClinVar:

ClinVar aggregate classification (germline): Uncertain significance. Review status: criteria provided, single submitter (1 of 4 stars). 2 submissions from 2 submitters: Uncertain significance (1). 1 of the submissions does not count toward it. Last evaluated 2021-06-22.

Conditions:
EP400-related disorder. Also called: EP400-related condition.

Submissions (2):

Ambry Genetics
Classification: Uncertain significance. Last evaluated: 2021-06-22. Review status: criteria provided, single submitter. Criteria: Ambry Variant Classification Scheme 2023. Collection method: clinical testing. Allele origin: germline.

PreventionGenetics, part of Exact Sciences
Classification: Likely benign for EP400-related condition. Last evaluated: 2019-05-08. Review status: no assertion criteria provided. Collection method: clinical testing. Allele origin: germline. Not counted in ClinVar's aggregate classification.
Comment: This variant is classified as likely benign based on ACMG/AMP sequence variant interpretation guidelines (Richards et al. 2015 PMID: 25741868, with internal and published modifications).

NM_015409.5(EP400):c.7532A>C (p.Gln2511Pro)

Gene: EP400 (E1A binding protein p400; plus strand). Cytogenetic location: 12q24.33.
Variant type: single nucleotide variant.
Coding change: c.7532A>C on transcript NM_015409.5 (MANE Select); coding-DNA position 7532, A replaced by C.
Protein change: p.Gln2511Pro; replaces glutamine 2511 with proline.
Molecular consequence: missense variant.
Genome position (GRCh38, 1-based): chr12:132,053,401, A>C. VCF-style: chr12-132053401-A-C. GRCh37 (hg19) VCF-style: chr12-132537946-A-C.
Other names: short protein forms Q2511P.
Identifiers: ClinVar variation 2342814 (VCV002342814.4), dbSNP rs956450084, ClinGen allele CA246191294.